The following is an entry in ClinVar:

ClinVar aggregate classification (germline): Uncertain significance (1 of 4 stars; one submission).

Conditions:
Pyknodysostosis. Also called: Pycnodysostosis. Identifiers: Orphanet 763, MedGen C0238402, MONDO:0009940, OMIM 265800.

gnomAD v4.1: 1 of 1,613,992 alleles (0.000062%); highest among the groups gnomAD compares: Non-Finnish European, 0.000085%; no homozygotes.

Submission:

Neuberg Centre For Genomic Medicine, NCGM
Classification: Uncertain significance for Pyknodysostosis. Review status: criteria provided, single submitter. Criteria: ACMG Guidelines, 2015. Collection method: clinical testing. Allele origin: germline. Inheritance: Autosomal recessive inheritance. Affected: yes.
Comment: The observed missense variant c.44C>T(p.Ala15Val) in the CTSK gene has not been reported previously as a pathogenic variant nor as a benign variant, to our knowledge. This variant is absent in the gnomAD Exomes. The amino acid Ala at position 15 is changed to a Val changing protein sequence and it might alter its composition and physico-chemical properties. Computational evidence (Polyphen - Benign, SIFT - Tolerated and MutationTaster - Disease causing) predicts conflicting evidence on protein structure and function for this variant. The residue is conserved by GERP++ and PhyloP across 100 vertebrates. For these reasons, this variant has been classified as Uncertain Significance. In the absence of another reportable variant, the molecular diagnosis is not confirmed.

NM_000396.4(CTSK):c.44C>T (p.Ala15Val)

Gene: CTSK (cathepsin K; minus strand). Cytogenetic location: 1q21.3.
Variant type: single nucleotide variant.
Coding change: c.44C>T on transcript NM_000396.4 (MANE Select); coding-DNA position 44, C replaced by T.
Protein change: p.Ala15Val; replaces alanine 15 with valine.
Molecular consequence: missense variant.
Genome position (GRCh38, 1-based): chr1:150,806,762, G>A on the plus strand (C>T on the coding strand, the complement: CTSK is on the minus strand). VCF-style: chr1-150806762-G-A. GRCh37 (hg19) VCF-style: chr1-150779238-G-A.
Other names: short protein forms A15V.
Identifiers: ClinVar variation 3731375 (VCV003731375.1).
Genomic context (GRCh38, chr1:150,806,762, plus strand): 5'-TTCCTGTGGGTCTTCTTCCATAGCTCCCAGTGGGTGTCCAGTATCTCCTCAGGGTACAGA[G>A]CAAAGCTCACCACAGGTAGCAGCAGAACCTTGAGCCCCCACATCCTGCAGAAGAATGTAG-3'
Protein context (NP_000387.1, residues 5-25): KVLLLPVVSF[Ala15Val]LYPEEILDTH